The following is an entry in ClinVar:

NM_002528.7(NTHL1):c.574T>G (p.Tyr192Asp)

Gene: NTHL1 (nth like DNA glycosylase 1; minus strand). Cytogenetic location: 16p13.3.
Variant type: single nucleotide variant.
Coding change: c.574T>G on transcript NM_002528.7 (MANE Select); coding-DNA position 574, T replaced by G.
Protein change: p.Tyr192Asp; replaces tyrosine 192 with aspartic acid.
Molecular consequence: missense variant.
Genome position (GRCh38, 1-based): chr16:2,043,678, A>C on the plus strand (T>G on the coding strand, the complement: NTHL1 is on the minus strand). VCF-style: chr16-2043678-A-C. GRCh37 (hg19) VCF-style: chr16-2093679-A-C.
Other names: c.403T>G, p.Tyr135Asp (NM_001318193.2); c.244T>G, p.Tyr82Asp (NM_001318194.2); short protein forms Y135D, Y82D, Y192D.
Identifiers: ClinVar variation 849554 (VCV000849554.14), dbSNP rs2084300211, ClinGen allele CA394291970.
Genomic context (GRCh38, chr16:2,043,678, plus strand): 5'-TGGGCCCAACACCCGGCAGCGCCACCAGCTCGGCCACAGAGGCTGGGATGTCCCCACCGT[A>C]GTGCTGCTGCAGGATGGCGCTGGTCTGCTTGATGTATTTCACCTTGCTCTGAAAGACAGG-3'
Protein context (NP_002519.2, residues 182-202): KQTSAILQQH[Tyr192Asp]GGDIPASVAE

ClinVar aggregate classification (germline): Uncertain significance. Review status: criteria provided, multiple submitters, no conflicts (2 of 4 stars). 4 submissions from 4 submitters: Uncertain significance (4). Last evaluated 2026-10-01.

Conditions:
NTHL1-related disorder. Also called: NTHL1-related conditions; NTHL1-related condition.
Hereditary cancer-predisposing syndrome. Also called: Hereditary Cancer Syndrome; Tumor predisposition; Neoplastic Syndromes, Hereditary; Hereditary neoplastic syndrome. Identifiers: Orphanet 140162, MedGen C0027672, MeSH D009386, MONDO:0015356.
Familial adenomatous polyposis 3. Also called: NTHL1 Tumor Syndrome; NTHL1-associated polyposis; NTHL1-Related Adenomatous Polyposis and Colorectal Cancer; NTHL1-related attenuated familial adenomatous polyposis. Identifiers: Orphanet 220460, Orphanet 454840, MedGen C4225157, MONDO:0014630, OMIM 616415.

Allele frequency attached by ClinVar (database versions not stated): gnomAD exomes below 0.00001.
gnomAD v4.1: 5 of 1,612,208 alleles (0.00031%); highest among the groups gnomAD compares: Non-Finnish European, 0.00042%; no homozygotes.

Submissions (4):

St. Jude Molecular Pathology, St. Jude Children's Research Hospital
Classification: Uncertain significance for Familial adenomatous polyposis 3. Last evaluated: 2026-10-01. Review status: criteria provided, single submitter. Criteria: St. Jude Assertion Criteria 2020. Collection method: clinical testing. Allele origin: germline.
Comment: The NTHL1 c.574T>G p.(Tyr192Asp) missense change is absent in gnomAD v2.1.1. The in silico tool REVEL is inconclusive about a pathogenic or benign effect of this variant on protein function, and to our knowledge functional studies have not been performed. To our knowledge, this variant has not been reported in individuals with NTHL1-associated polyposis. In summary, the evidence currently available is insufficie nt to determine the clinical significance of this variant. It has therefore been classified as of uncertain significance.

Labcorp Genetics (formerly Invitae), Labcorp
Classification: Uncertain significance. Last evaluated: 2025-07-30. Review status: criteria provided, single submitter. Criteria: Invitae Variant Classification Sherloc (09022015). Collection method: clinical testing. Allele origin: germline.
Comment: This sequence change replaces tyrosine, which is neutral and polar, with aspartic acid, which is acidic and polar, at codon 200 of the NTHL1 protein (p.Tyr200Asp). This variant is not present in population databases (gnomAD no frequency). This variant has not been reported in the literature in individuals affected with NTHL1-related conditions. ClinVar contains an entry for this variant (Variation ID: 849554). An algorithm developed to predict the effect of missense changes on protein structure and function (PolyPhen-2) suggests that this variant is likely to be disruptive. In summary, the available evidence is currently insufficient to determine the role of this variant in disease. Therefore, it has been classified as a Variant of Uncertain Significance.

Quest Diagnostics Nichols Institute San Juan Capistrano
Classification: Uncertain significance. Last evaluated: 2025-07-23. Review status: criteria provided, single submitter. Criteria: Quest Diagnostics criteria. Collection method: clinical testing. Allele origin: unknown.
Comment: The NTHL1 c.598T>G (p.Tyr200Asp) variant has not been reported in individuals with NTHL1-related conditions in the published literature. This variant has not been reported in large, multi-ethnic general populations (Genome Aggregation Database). Analysis of this variant using bioinformatics tools for the prediction of the effect of amino acid changes on protein structure and function yielded predictions that this variant is damaging. Based on the available information, we are unable to determine the clinical significance of this variant.

Ambry Genetics
Classification: Uncertain significance for Hereditary cancer-predisposing syndrome. Last evaluated: 2023-11-03. Review status: criteria provided, single submitter. Criteria: Ambry Variant Classification Scheme 2023. Collection method: clinical testing. Allele origin: germline.
Comment: The p.Y200D variant (also known as c.598T>G), located in coding exon 4 of the NTHL1 gene, results from a T to G substitution at nucleotide position 598. The tyrosine at codon 200 is replaced by aspartic acid, an amino acid with highly dissimilar properties. This amino acid position is well conserved in available vertebrate species. In addition, the in silico prediction for this alteration is inconclusive. Since supporting evidence is limited at this time, the clinical significance of this alteration remains unclear.